The following is an entry in ClinVar:

NM_000059.4(BRCA2):c.6188G>A (p.Gly2063Glu)

Gene: BRCA2 (BRCA2 DNA repair associated; plus strand). Cytogenetic location: 13q13.1.
Variant type: single nucleotide variant.
Coding change: c.6188G>A on transcript NM_000059.4 (MANE Select); coding-DNA position 6188, G replaced by A.
Protein change: p.Gly2063Glu; replaces glycine 2063 with glutamic acid.
Molecular consequence: missense variant.
Genome position (GRCh38, 1-based): chr13:32,340,543, G>A. VCF-style: chr13-32340543-G-A. GRCh37 (hg19) VCF-style: chr13-32914680-G-A.
Other names: 6416G>A; short protein forms G2063E.
Identifiers: ClinVar variation 38023 (VCV000038023.18), dbSNP rs397507364, ClinGen allele CA023726.

ClinVar aggregate classification (germline): Conflicting classifications of pathogenicity. Review status: criteria provided, conflicting classifications (1 of 4 stars). 4 submissions from 4 submitters: Uncertain significance (2); Likely benign (1). 1 of the submissions does not count toward it. Last evaluated 2025-10-03.

Conditions:
Hereditary cancer-predisposing syndrome. Also called: Tumor predisposition; Neoplastic Syndromes, Hereditary; Hereditary neoplastic syndrome; Hereditary Cancer Syndrome. Identifiers: Orphanet 140162, MedGen C0027672, MeSH D009386, MONDO:0015356.
Hereditary breast ovarian cancer syndrome. Also called: Hereditary breast and ovarian cancer; Hereditary breast and ovarian cancer syndrome (HBOC); Hereditary breast and/or ovarian cancer syndrome; Breast and ovarian cancer; Hereditary breast and ovarian cancer syndrome; BRCA1- and BRCA2-Associated Hereditary Breast and Ovarian Cancer. Identifiers: Orphanet 145, MedGen C0677776, MeSH D061325, MONDO:0003582. Disease mechanism: loss of function.
Breast-ovarian cancer, familial, susceptibility to, 2 (BROVCA2). Also called: BRCA2 Hereditary Breast and Ovarian Cancer. Identifiers: Orphanet 145, MedGen C2675520, MONDO:0012933, OMIM 612555. Disease mechanism: loss of function.

Allele frequency attached by ClinVar (database versions not stated): gnomAD exomes below 0.00001; TOPMed below 0.00001; gnomAD 0.00001.
gnomAD v4.1: 2 of 1,612,870 alleles (0.00012%); highest among the groups gnomAD compares: African/African-American, 0.0013%; no homozygotes.

Submissions (4):

Ambry Genetics
Classification: Uncertain significance for Hereditary cancer-predisposing syndrome. Last evaluated: 2025-10-03. Review status: criteria provided, single submitter. Criteria: Ambry Variant Classification Scheme 2023. Collection method: clinical testing. Allele origin: germline.
Comment: The p.G2063E variant (also known as c.6188G>A), located in coding exon 10 of the BRCA2 gene, results from a G to A substitution at nucleotide position 6188. The glycine at codon 2063 is replaced by glutamic acid, an amino acid with similar properties. This amino acid position is highly conserved in available vertebrate species. In addition, this alteration is predicted to be deleterious by in silico analysis. Since supporting evidence is limited at this time, the clinical significance of this alteration remains unclear.

Labcorp Genetics (formerly Invitae), Labcorp
Classification: Uncertain significance for Hereditary breast ovarian cancer syndrome. Last evaluated: 2024-02-27. Review status: criteria provided, single submitter. Criteria: Invitae Variant Classification Sherloc (09022015). Collection method: clinical testing. Allele origin: germline.
Comment: This sequence change replaces glycine, which is neutral and non-polar, with glutamic acid, which is acidic and polar, at codon 2063 of the BRCA2 protein (p.Gly2063Glu). This variant is not present in population databases (gnomAD no frequency). This variant has not been reported in the literature in individuals affected with BRCA2-related conditions. ClinVar contains an entry for this variant (Variation ID: 38023). Advanced modeling of protein sequence and biophysical properties (such as structural, functional, and spatial information, amino acid conservation, physicochemical variation, residue mobility, and thermodynamic stability) performed at Invitae indicates that this missense variant is not expected to disrupt BRCA2 protein function with a negative predictive value of 95%. In summary, the available evidence is currently insufficient to determine the role of this variant in disease. Therefore, it has been classified as a Variant of Uncertain Significance.

University of Washington Department of Laboratory Medicine, University of Washington
Classification: Likely benign for Hereditary cancer-predisposing syndrome. Last evaluated: 2023-03-23. Review status: criteria provided, single submitter. Criteria: Dines et al. (Genet Med. 2020). Collection method: curation. Allele origin: germline.
Comment: Missense variant in a coldspot region where missense variants are very unlikely to be pathogenic (PMID:31911673).

BRCA2 exon 11 coldspot. Reclassification based on statistical prior probability.

Sharing Clinical Reports Project (SCRP)
Classification: Uncertain significance for Breast-ovarian cancer, familial 2. Last evaluated: 2010-09-25. Review status: no assertion criteria provided. Collection method: clinical testing. Allele origin: germline. Not counted in ClinVar's aggregate classification.